The following is an entry in ClinVar:

NM_177438.3(DICER1):c.3233C>T (p.Ala1078Val)

Gene: DICER1 (dicer 1, ribonuclease III; minus strand). Cytogenetic location: 14q32.13.
Variant type: single nucleotide variant.
Coding change: c.3233C>T on transcript NM_177438.3 (MANE Select); coding-DNA position 3233, C replaced by T.
Protein change: p.Ala1078Val; replaces alanine 1078 with valine.
Molecular consequence: missense variant. On other transcripts: non-coding transcript variant (6).
Genome position (GRCh38, 1-based): chr14:95,105,107, G>A on the plus strand (C>T on the coding strand, the complement: DICER1 is on the minus strand). VCF-style: chr14-95105107-G-A. GRCh37 (hg19) VCF-style: chr14-95571444-G-A.
Other names: c.3233C>T, p.Ala1078Val (NM_001395678.1, NM_001395679.1, NM_001395680.1 and 13 more transcripts); c.2951C>T, p.Ala984Val (NM_001395686.1); c.2828C>T, p.Ala943Val (NM_001395687.1, NM_001395688.1, NM_001395689.1 and 2 more transcripts); c.2666C>T, p.Ala889Val (NM_001395691.1); c.1550C>T, p.Ala517Val (NM_001395697.1); short protein forms A1078V, A889V, A943V, A517V, A984V.
Identifiers: ClinVar variation 2586414 (VCV002586414.5), dbSNP rs2139985912, ClinGen allele CA390876408.

ClinVar aggregate classification (germline): Uncertain significance. Review status: criteria provided, multiple submitters, no conflicts (2 of 4 stars). 2 submissions from 2 submitters: Uncertain significance (2). Last evaluated 2025-11-13.

Conditions:
DICER1-related tumor predisposition. Also called: DICER1-related pleuropulmonary blastoma cancer predisposition syndrome; DICER1 syndrome. Identifiers: Orphanet 284343, MedGen C3839822, MONDO:0100216.
Hereditary cancer-predisposing syndrome. Also called: Tumor predisposition; Neoplastic Syndromes, Hereditary; Hereditary Cancer Syndrome; Hereditary neoplastic syndrome. Identifiers: Orphanet 140162, MedGen C0027672, MeSH D009386, MONDO:0015356.

Submissions (2):

Labcorp Genetics (formerly Invitae), Labcorp
Classification: Uncertain significance for DICER1-related tumor predisposition. Last evaluated: 2025-11-13. Review status: criteria provided, single submitter. Criteria: Invitae Variant Classification Sherloc (09022015). Collection method: clinical testing. Allele origin: germline.
Comment: This sequence change replaces alanine, which is neutral and non-polar, with valine, which is neutral and non-polar, at codon 1078 of the DICER1 protein (p.Ala1078Val). This variant is not present in population databases (gnomAD no frequency). This variant has not been reported in the literature in individuals affected with DICER1-related conditions. ClinVar contains an entry for this variant (Variation ID: 2586414). Invitae Evidence Modeling of protein sequence and biophysical properties (such as structural, functional, and spatial information, amino acid conservation, physicochemical variation, residue mobility, and thermodynamic stability) indicates that this missense variant is not expected to disrupt DICER1 protein function with a negative predictive value of 95%. In summary, the available evidence is currently insufficient to determine the role of this variant in disease. Therefore, it has been classified as a Variant of Uncertain Significance.

Ambry Genetics
Classification: Uncertain significance for Hereditary cancer-predisposing syndrome. Last evaluated: 2023-07-27. Review status: criteria provided, single submitter. Criteria: Ambry Variant Classification Scheme 2023. Collection method: clinical testing. Allele origin: germline.
Comment: The p.A1078V variant (also known as c.3233C>T), located in coding exon 19 of the DICER1 gene, results from a C to T substitution at nucleotide position 3233. The alanine at codon 1078 is replaced by valine, an amino acid with similar properties. This amino acid position is conserved. In addition, the in silico prediction for this alteration is inconclusive. Since supporting evidence is limited at this time, the clinical significance of this alteration remains unclear.